The following is an entry in ClinVar:

ClinVar aggregate classification (germline): Conflicting classifications of pathogenicity. Review status: criteria provided, conflicting classifications (1 of 4 stars). 2 submissions from 2 submitters: Uncertain significance (1); Likely benign (1). Last evaluated 2025-02-15.

Conditions:
Aortic valve disease 2 (AOVD2). Identifiers: MedGen C3542024, MONDO:0013902, OMIM 614823.
Cardiovascular phenotype. Identifiers: MedGen CN230736.

Allele frequency attached by ClinVar (database versions not stated): gnomAD 0.00001; TOPMed 0.00004; ExAC 0.00006; gnomAD exomes 0.00004.

Submissions (2):

Labcorp Genetics (formerly Invitae), Labcorp
Classification: Likely benign for Aortic valve disease 2. Last evaluated: 2025-02-15. Review status: criteria provided, single submitter. Criteria: Invitae Variant Classification Sherloc (09022015). Collection method: clinical testing. Allele origin: germline.

Ambry Genetics
Classification: Uncertain significance for Cardiovascular phenotype. Last evaluated: 2024-04-13. Review status: criteria provided, single submitter. Criteria: Ambry Variant Classification Scheme 2023. Collection method: clinical testing. Allele origin: germline.
Comment: The p.P42L variant (also known as c.125C>T), located in coding exon 1 of the TBX5 gene, results from a C to T substitution at nucleotide position 125. The proline at codon 42 is replaced by leucine, an amino acid with similar properties. This amino acid position is conserved. In addition, the in silico prediction for this alteration is inconclusive. Since supporting evidence is limited at this time, the clinical significance of this alteration remains unclear.

NM_181486.4(TBX5):c.125C>T (p.Pro42Leu)

Gene: TBX5 (T-box transcription factor 5; minus strand). Cytogenetic location: 12q24.21.
Variant type: single nucleotide variant.
Coding change: c.125C>T on transcript NM_181486.4 (MANE Select); coding-DNA position 125, C replaced by T.
Protein change: p.Pro42Leu; replaces proline 42 with leucine.
Molecular consequence: missense variant. On other transcripts: intron variant (1).
Genome position (GRCh38, 1-based): chr12:114,403,774, G>A on the plus strand (C>T on the coding strand, the complement: TBX5 is on the minus strand). VCF-style: chr12-114403774-G-A. GRCh37 (hg19) VCF-style: chr12-114841579-G-A.
Other names: c.125C>T, p.Pro42Leu (NM_000192.3); c.-3-1854C>T (NM_080717.4); short protein forms P42L.
Identifiers: ClinVar variation 1120643 (VCV001120643.12), dbSNP rs759976245, ClinGen allele CA6809714.